The following is an entry in ClinVar:

NM_004360.5(CDH1):c.214G>A (p.Asp72Asn)

Gene: CDH1 (cadherin 1; plus strand). Cytogenetic location: 16q22.1.
Variant type: single nucleotide variant.
Coding change: c.214G>A on transcript NM_004360.5 (MANE Select); coding-DNA position 214, G replaced by A.
Protein change: p.Asp72Asn; replaces aspartic acid 72 with asparagine.
Molecular consequence: missense variant. On other transcripts: 5 prime UTR variant (2).
Genome position (GRCh38, 1-based): chr16:68,801,720, G>A. VCF-style: chr16-68801720-G-A. GRCh37 (hg19) VCF-style: chr16-68835623-G-A.
Other names: p.D72N:GAC>AAC; NM_004360.5(CDH1):c.214G>A; c.214G>A, p.Asp72Asn (NM_001317184.2); c.-1402G>A (NM_001317185.2); c.-1606G>A (NM_001317186.2); short protein forms D72N.
Identifiers: ClinVar variation 136064 (VCV000136064.36), dbSNP rs35606263, ClinGen allele CA294297.

ClinVar aggregate classification (germline): Likely benign. Review status: reviewed by expert panel (3 of 4 stars). 16 submissions from 16 submitters: Likely benign (1). 15 of the submissions do not count toward it. Last evaluated 2023-08-03.

Conditions:
CDH1-related disorder. Also called: CDH1-related condition.
CDH1-related diffuse gastric and lobular breast cancer syndrome. Also called: CDH1-related diffuse gastric and lobular breast cancer. Identifiers: MedGen CN311521, MONDO:0100488.
Hereditary cancer-predisposing syndrome. Also called: Neoplastic Syndromes, Hereditary; Tumor predisposition; Hereditary Cancer Syndrome; Hereditary neoplastic syndrome. Identifiers: Orphanet 140162, MedGen C0027672, MeSH D009386, MONDO:0015356.
Hereditary breast ovarian cancer syndrome. Also called: BRCA1- and BRCA2-Associated Hereditary Breast and Ovarian Cancer; Hereditary breast and ovarian cancer; Hereditary breast and ovarian cancer syndrome; Hereditary breast and ovarian cancer syndrome (HBOC); Breast and ovarian cancer; Hereditary breast and/or ovarian cancer syndrome. Identifiers: Orphanet 145, MedGen C0677776, MeSH D061325, MONDO:0003582. Disease mechanism: loss of function.
Hereditary diffuse gastric adenocarcinoma (HDGC). Also called: DIFFUSE GASTRIC AND LOBULAR BREAST CANCER SYNDROME. Identifiers: Orphanet 26106, MedGen C1708349, MONDO:0007648, OMIM 137215.

Allele frequency attached by ClinVar (database versions not stated): gnomAD 0.00006 and 0.00007; TOPMed 0.00014; ESP Exome Variant Server 0.00023.
gnomAD v4.1: 80 of 1,614,010 alleles (0.005%); highest among the groups gnomAD compares: Admixed American, 0.045%; no homozygotes.

Submissions (16):

Clingen Gastric Cancer Variant Curation Expert Panel
Classification: Likely benign for CDH1-related diffuse gastric and lobular breast cancer syndrome. Last evaluated: 2023-08-03. Review status: reviewed by expert panel. Criteria: ClinGen CDH1 ACMG Specifications V3.1. Collection method: curation. Allele origin: germline. Inheritance: Autosomal dominant inheritance.
Comment: The c.214G>A (p.Asp72Asn) missense variant has a maximum subpopulation frequency of 0.048% in the gnomAD v2.1.1 cohort. This variant has been observed in over 300 probands not meeting HDGC phenotype criteria (BS2; SCV000210893.13, SCV000186096.8, SCV000166549.12). In summary, this variant meets criteria to be classified as Likely Benign based on the ACMG/AMP criteria applied as specified by the CDH1 Variant Curation Expert Panel: BS2. (CDH1 VCEP specifications version 3.1; 06/26/2023)

Labcorp Genetics (formerly Invitae), Labcorp
Classification: Likely benign for Hereditary diffuse gastric adenocarcinoma. Last evaluated: 2026-02-03. Review status: criteria provided, single submitter. Criteria: Invitae Variant Classification Sherloc (09022015). Collection method: clinical testing. Allele origin: germline. Not counted in ClinVar's aggregate classification.

PreventionGenetics, part of Exact Sciences
Classification: Likely benign for CDH1-related condition. Last evaluated: 2025-09-19. Review status: criteria provided, single submitter. Criteria: ACMG Guidelines, 2015. Collection method: clinical testing. Allele origin: germline. Not counted in ClinVar's aggregate classification.
Comment: This variant is classified as likely benign based on ACMG/AMP sequence variant interpretation guidelines (Richards et al. 2015 PMID: 25741868, with internal and published modifications).

Quest Diagnostics Nichols Institute San Juan Capistrano
Classification: Likely benign. Last evaluated: 2025-06-16. Review status: criteria provided, single submitter. Criteria: Quest Diagnostics criteria. Collection method: clinical testing. Allele origin: unknown. Not counted in ClinVar's aggregate classification.

Color Diagnostics, LLC DBA Color Health
Classification: Benign for Hereditary cancer-predisposing syndrome. Last evaluated: 2024-09-25. Review status: criteria provided, single submitter. Criteria: ACMG Guidelines, 2015. Collection method: clinical testing. Allele origin: germline. Not counted in ClinVar's aggregate classification.

German Consortium for Hereditary Breast and Ovarian Cancer, University Hospital Cologne
Classification: Likely benign for Hereditary breast ovarian cancer syndrome. Last evaluated: 2024-02-15. Review status: criteria provided, single submitter. Criteria: Lee et al. (Hum Mutat. 2018). Collection method: curation. Allele origin: germline. Not counted in ClinVar's aggregate classification.
Comment: According to the ACMG gene specific: CDH1 criteria we chose this criterion: BS2 (strong benign): ClinGen CDH1 Variant Curation Expert Panel: >300 probands/families not meeting HDGC criteria

Women's Health and Genetics/Laboratory Corporation of America, LabCorp
Classification: Likely benign. Last evaluated: 2024-01-22. Review status: criteria provided, single submitter. Criteria: LabCorp Variant Classification Summary - May 2015. Collection method: clinical testing. Allele origin: germline. Not counted in ClinVar's aggregate classification.
Comment: Variant summary: CDH1 c.214G>A (p.Asp72Asn) results in a conservative amino acid change located in the Cadherin prodomain (IPR014868) of the encoded protein sequence. Three of five in-silico tools predict a benign effect of the variant on protein function. The variant allele was found at a frequency of 4.9e-05 in 1607036 control chromosomes, predominantly at a frequency of 0.00045 within the Latino subpopulation in the gnomAD database (v4 dataset). The observed variant frequency within Latino control individuals in the gnomAD database is approximately 16-fold of the estimated maximal expected allele frequency for a pathogenic variant in CDH1 causing Hereditary Diffuse Gastric Cancer phenotype (2.8e-05), strongly suggesting that the variant is a benign polymorphism found primarily in populations of Latino origin. The variant, c.214G>A, has been reported in the literature in individuals affected with breast cancer (Tsaousis_2019, Dorling_2021), but it was also found in several controls (Momozawa_2018, Dorling_2021, Okawa_2023). In addition, this variant was also reported in 3/7325 European American women, who were older than age 70, and have never had cancer (in the FLOSSIES database). These reports do not provide unequivocal conclusions about association of the variant with Hereditary Diffuse Gastric Cancer. To our knowledge, no experimental evidence demonstrating an impact on protein function has been reported. The following publications have been ascertained in the context of this evaluation (PMID: NO_PMID, 19011631, 30287823, 31159747, 33471991, 36243179). ClinVar contains an entry for this variant (Variation ID: 136064). Based on the evidence outlined above, the variant was classified as likely benign.

Myriad Genetics, Inc.
Classification: Uncertain significance for Hereditary diffuse gastric adenocarcinoma. Last evaluated: 2023-03-06. Review status: criteria provided, single submitter. Criteria: Myriad Autosomal Dominant, Autosomal Recessive and X-Linked Classification Criteria (2023). Collection method: clinical testing. Allele origin: unknown. Not counted in ClinVar's aggregate classification.
Comment: This variant is classified as a variant of uncertain significance as there is insufficient evidence to determine its impact on protein function and/or cancer risk.

European Reference Network on Genetic Tumour Risk Syndromes (ERN-GENTURIS), i3s - Instituto de Investigação e Inovação em Saúde, University of Porto
Classification: Uncertain significance for Hereditary diffuse gastric adenocarcinoma. Last evaluated: 2022-08-01. Review status: criteria provided, single submitter. Criteria: Lee et al. (Hum Mutat. 2018). Collection method: clinical testing. Allele origin: germline. Inheritance: Autosomal dominant inheritance. Affected: no. Study: ERN GENTURIS. Not counted in ClinVar's aggregate classification.
Comment: BS2_Supporting (PMID: 30311375)

Sema4
Classification: Likely benign for Hereditary cancer-predisposing syndrome. Last evaluated: 2021-07-26. Review status: criteria provided, single submitter. Criteria: Sema4 Curation Guidelines. Collection method: curation. Allele origin: germline. Not counted in ClinVar's aggregate classification.

GeneDx
Classification: Likely benign. Last evaluated: 2021-02-25. Review status: criteria provided, single submitter. Criteria: GeneDx Variant Classification Process June 2021. Collection method: clinical testing. Allele origin: germline. Affected: yes. Not counted in ClinVar's aggregate classification.
Comment: In silico analysis, which includes protein predictors and evolutionary conservation, supports a deleterious effect; Observed in individuals with lung cancer and in 1/11,241 controls but not in the associated breast cancer cases (Momozawa 2018, Santeufemia 2019); This variant is associated with the following publications: (PMID: 30287823, 30979070, 31159747, 31784482)

Ambry Genetics
Classification: Likely benign for Hereditary cancer-predisposing syndrome. Last evaluated: 2019-12-09. Review status: criteria provided, single submitter. Criteria: Ambry Variant Classification Scheme 2023. Collection method: clinical testing. Allele origin: germline. Not counted in ClinVar's aggregate classification.

GeneKor MSA
Classification: Uncertain significance for Hereditary cancer-predisposing syndrome. Last evaluated: 2018-08-01. Review status: criteria provided, single submitter. Criteria: ACMG Guidelines, 2015. Collection method: clinical testing. Allele origin: germline. Affected: no. Not counted in ClinVar's aggregate classification.

Mendelics
Classification: Uncertain significance for Hereditary diffuse gastric cancer. Last evaluated: 2018-07-02. Review status: criteria provided, single submitter. Criteria: Mendelics Assertion Criteria 2017. Collection method: clinical testing. Allele origin: unknown. Not counted in ClinVar's aggregate classification.

Counsyl
Classification: Uncertain significance for Hereditary diffuse gastric adenocarcinoma. Last evaluated: 2016-02-12. Review status: no assertion criteria provided. Collection method: clinical testing. Allele origin: unknown. Not counted in ClinVar's aggregate classification.

Department of Pathology and Laboratory Medicine, Sinai Health System
Classification: Uncertain significance. Review status: no assertion criteria provided. Collection method: clinical testing. Allele origin: unknown. Affected: yes. Study: The Canadian Open Genetics Repository (COGR). Not counted in ClinVar's aggregate classification.
Comment: The CDH1 p.Asp72Asn variant was not identified in 14102 proband chromosomes from individuals or families with breast cancer but was present in 4 of 22482 control chromosomes (frequency: 0.0009) from healthy individuals (Momozawa 2018). The variant was also identified in dbSNP (ID: rs35606263) as "With Uncertain significance allele", ClinVar (classified as uncertain significance by Invitae, Ambry Genetics, GeneDx and five other submitters), and LOVD 3.0 (2x as VUS). The variant was identified in control databases in 29 of 277070 chromosomes at a frequency of 0.0001 (Genome Aggregation Database Feb 27, 2017). The variant was observed in the following populations: African in 3 of 24020 chromosomes (freq: 0.0001), Latino in 17 of 34418 chromosomes (freq: 0.0005), European in 6 of 126588 chromosomes (freq: 0.00005), Ashkenazi Jewish in 3 of 10148 chromosomes (freq: 0.0003); it was not observed in the Other, East Asian, Finnish, or South Asian populations. The p.Asp72 residue is conserved in mammals and computational analyses (PolyPhen-2, SIFT, AlignGVGD, BLOSUM, MutationTaster) provide inconsistent predictions regarding the impact to the protein; this information is not very predictive of pathogenicity. The variant occurs outside of the splicing consensus sequence and in silico or computational prediction software programs (SpliceSiteFinder, MaxEntScan, NNSPLICE, GeneSplicer) do not predict a difference in splicing. In summary, based on the above information, the clinical significance of this variant cannot be determined with certainty at this time. This variant is classified as a variant of uncertain significance.

Literature cited by the submitters: PubMed 30287823 (cited by Quest Diagnostics Nichols Institute San Juan Capistrano and Women's Health and Genetics/Laboratory Corporation of America, LabCorp); PubMed 31784482 (cited by Quest Diagnostics Nichols Institute San Juan Capistrano); PubMed 36436516 (cited by Quest Diagnostics Nichols Institute San Juan Capistrano and European Reference Network on Genetic Tumour Risk Syndromes (ERN-GENTURIS), i3s - Instituto de Investigação e Inovação em Saúde, University of Porto); PubMed 31159747 (cited by Quest Diagnostics Nichols Institute San Juan Capistrano and Women's Health and Genetics/Laboratory Corporation of America, LabCorp); PubMed 33471991 (cited by Quest Diagnostics Nichols Institute San Juan Capistrano and Women's Health and Genetics/Laboratory Corporation of America, LabCorp); PubMed 19011631 (cited by Women's Health and Genetics/Laboratory Corporation of America, LabCorp); PubMed 36243179 (cited by Women's Health and Genetics/Laboratory Corporation of America, LabCorp); PubMed 26206375 (cited by Counsyl).